The following is an entry in ClinVar:

NM_005267.5(GJA8):c.131T>A (p.Val44Glu)

Gene: GJA8 (gap junction protein alpha 8; plus strand). Cytogenetic location: 1q21.2.
Variant type: single nucleotide variant.
Coding change: c.131T>A on transcript NM_005267.5 (MANE Select); coding-DNA position 131, T replaced by A.
Protein change: p.Val44Glu; replaces valine 44 with glutamic acid.
Molecular consequence: missense variant.
Genome position (GRCh38, 1-based): chr1:147,908,086, T>A. VCF-style: chr1-147908086-T-A. GRCh37 (hg19) VCF-style: chr1-147380213-T-A.
Other names: short protein forms V44E.
Identifiers: ClinVar variation 8725 (VCV000008725.2), dbSNP rs80358204, ClinGen allele CA119867.
Genomic context (GRCh38, chr1:147,908,086, plus strand): 5'-TCTGGCTCACCGTGCTTTTCATCTTCCGGATCCTCATCCTTGGCACGGCCGCAGAGTTCG[T>A]GTGGGGGGATGAGCAATCCGACTTCGTGTGCAACACCCAGCAGCCTGGCTGCGAGAACGT-3'
Protein context (NP_005258.2, residues 34-54): ILILGTAAEF[Val44Glu]WGDEQSDFVC

ClinVar aggregate classification (germline): Uncertain significance. Review status: criteria provided, single submitter (1 of 4 stars). 2 submissions from 2 submitters: Uncertain significance (1). 1 of the submissions does not count toward it. Last evaluated 2023-01-21.

Conditions:
Cataract 1 multiple types. Also called: CATARACT 1, POSTERIOR SUBCAPSULAR, WITH MICROCORNEA; CATARACT 1, STELLATE NUCLEAR, WITH MICROCORNEA; CATARACT 1, MULTIPLE TYPES, WITH OR WITHOUT MICROCORNEA; CATARACT 1, NUCLEAR PROGRESSIVE; CATARACT 1 WITH MICROCORNEA; CATARACT, DUFFY-LINKED. Identifiers: Orphanet 1377, MedGen C1861828, MONDO:0007285, OMIM 116200.

Submissions (2):

Dept. Genetics and Cancer, Menzies Institute for Medical Research, University of Tasmania
Classification: Uncertain significance for Cataract 1 multiple types. Last evaluated: 2023-01-21. Review status: criteria provided, single submitter. Criteria: ACMG Guidelines, 2015. Collection method: curation. Allele origin: germline. Affected: yes.
Comment: Variant identified and curated during a GJA8 specific review of the literature in relation to pediatric or congenital cataract. ACMG-AMP criteria applied: PM1(Supporting), PM2(Supporting), PP3. Original variant report: PMID:16604058. The cataract phenotype reported for this variant is: Total. Additional phenotype/s reported in these individual/s are: Microcornea. Gene review and curation guidelines are outlined in: DOI 10.1080/17469899.2023.2160320

OMIM
Classification: Pathogenic for CATARACT 1 WITH MICROCORNEA. Last evaluated: 2006-03-23. Review status: no assertion criteria provided. Collection method: literature only. Allele origin: germline. Not counted in ClinVar's aggregate classification.

Literature cited by the submitters: PubMed 16604058 (cited by Dept. Genetics and Cancer, Menzies Institute for Medical Research, University of Tasmania and OMIM).